The following is an entry in ClinVar:

ClinVar aggregate classification (germline): Uncertain significance (1 of 4 stars; one submission).

Conditions:
Propionic acidemia (PROP). Also called: GLYCINEMIA, KETOTIC; HYPERGLYCINEMIA WITH KETOACIDOSIS AND LEUKOPENIA; KETOTIC HYPERGLYCINEMIA. Identifiers: Orphanet 35, MedGen C0268579, MONDO:0011628, OMIM 606054, HP:0003571.

Submission:

Labcorp Genetics (formerly Invitae), Labcorp
Classification: Uncertain significance for Propionic acidemia. Last evaluated: 2022-06-13. Review status: criteria provided, single submitter. Criteria: Invitae Variant Classification Sherloc (09022015). Collection method: clinical testing. Allele origin: germline.
Comment: In summary, the available evidence is currently insufficient to determine the role of this variant in disease. Therefore, it has been classified as a Variant of Uncertain Significance. Advanced modeling of protein sequence and biophysical properties (such as structural, functional, and spatial information, amino acid conservation, physicochemical variation, residue mobility, and thermodynamic stability) performed at Invitae indicates that this missense variant is not expected to disrupt PCCB protein function. This variant has not been reported in the literature in individuals affected with PCCB-related conditions. This variant is not present in population databases (gnomAD no frequency). This sequence change replaces lysine, which is basic and polar, with glutamine, which is neutral and polar, at codon 248 of the PCCB protein (p.Lys248Gln).

NM_000532.5(PCCB):c.742A>C (p.Lys248Gln)

Gene: PCCB (propionyl-CoA carboxylase subunit beta; plus strand). Cytogenetic location: 3q22.3.
Variant type: single nucleotide variant.
Coding change: c.742A>C on transcript NM_000532.5 (MANE Select); coding-DNA position 742, A replaced by C.
Protein change: p.Lys248Gln; replaces lysine 248 with glutamine.
Molecular consequence: missense variant.
Genome position (GRCh38, 1-based): chr3:136,293,843, A>C. VCF-style: chr3-136293843-A-C. GRCh37 (hg19) VCF-style: chr3-136012685-A-C.
Other names: c.802A>C, p.Lys268Gln (NM_001178014.2); short protein forms K268Q, K248Q.
Identifiers: ClinVar variation 2005603 (VCV002005603.4), dbSNP rs2529866051, ClinGen allele CA354643695.
Genomic context (GRCh38, chr3:136,293,843, plus strand): 5'-CCTGATGTTGTGAAGTCTGTCACCAATGAGGATGTTACCCAGGAGGAGCTCGGTGGTGCC[A>C]AGACCCACACCACCATGTCAGGTGAGAGGCCTTGAAGATGACCTTGTTGTTTTCAAACAT-3'
Protein context (NP_000523.2, residues 238-258): DVTQEELGGA[Lys248Gln]THTTMSGVAH